The following is an entry in ClinVar:

NM_001142503.3(STARD8):c.1983G>A (p.Thr661=)

Gene: STARD8 (StAR related lipid transfer domain containing 8; plus strand). Cytogenetic location: Xq13.1.
Variant type: single nucleotide variant.
Coding change: c.1983G>A on transcript NM_001142503.3 (MANE Select); coding-DNA position 1983, G replaced by A.
Protein change: p.Thr661=; no amino-acid change (threonine 661 retained).
Molecular consequence: synonymous variant.
Genome position (GRCh38, 1-based): chrX:68,720,357, G>A. VCF-style: chrX-68720357-G-A. GRCh37 (hg19) VCF-style: chrX-67940199-G-A.
Other names: c.1743G>A, p.Thr581= (NM_001142504.3, NM_014725.5).
Identifiers: ClinVar variation 2660791 (VCV002660791.24), dbSNP rs201457091, ClinGen allele CA10437769.

ClinVar aggregate classification (germline): Likely benign (1 of 4 stars; one submission).

Allele frequency attached by ClinVar (database versions not stated): 1000 Genomes Project 30x 0.00062; 1000 Genomes Project 0.00079.
gnomAD v4.1: 134 of 1,203,439 alleles (0.011%); highest among the groups gnomAD compares: South Asian, 0.13%; no homozygotes.

Submission:

CeGaT Center for Human Genetics Tuebingen
Classification: Likely benign. Last evaluated: 2022-05-01. Review status: criteria provided, single submitter. Criteria: CeGaT Center For Human Genetics Tuebingen Variant Classification Criteria Version 2. Collection method: clinical testing. Allele origin: germline. Affected: yes. Observed: 1 variant allele.
Comment: STARD8: BP4, BP7